The following is an entry in ClinVar:

ClinVar aggregate classification (germline): Uncertain significance. Review status: criteria provided, multiple submitters, no conflicts (2 of 4 stars). 3 submissions from 3 submitters: Uncertain significance (3). Last evaluated 2022-08-09.

Allele frequency attached by ClinVar (database versions not stated): gnomAD exomes 0.00001.
gnomAD v4.1: 8 of 1,595,076 alleles (0.0005%); highest among the groups gnomAD compares: Middle Eastern, 0.084%; no homozygotes.

Submissions (3):

Labcorp Genetics (formerly Invitae), Labcorp
Classification: Uncertain significance. Last evaluated: 2022-08-09. Review status: criteria provided, single submitter. Criteria: Invitae Variant Classification Sherloc (09022015). Collection method: clinical testing. Allele origin: germline.
Comment: This sequence change replaces histidine, which is basic and polar, with arginine, which is basic and polar, at codon 1701 of the ADGRV1 protein (p.His1701Arg). This variant is not present in population databases (gnomAD no frequency). This variant has not been reported in the literature in individuals affected with ADGRV1-related conditions. ClinVar contains an entry for this variant (Variation ID: 228722). Algorithms developed to predict the effect of missense changes on protein structure and function are either unavailable or do not agree on the potential impact of this missense change (SIFT: "Deleterious"; PolyPhen-2: "Possibly Damaging"; Align-GVGD: "Class C0"). In summary, the available evidence is currently insufficient to determine the role of this variant in disease. Therefore, it has been classified as a Variant of Uncertain Significance.

Blueprint Genetics
Classification: Uncertain significance. Last evaluated: 2022-03-16. Review status: criteria provided, single submitter. Criteria: ACMG Guidelines, 2015. Collection method: clinical testing. Allele origin: germline.

Laboratory for Molecular Medicine, Mass General Brigham Personalized Medicine
Classification: Uncertain significance. Last evaluated: 2015-01-22. Review status: criteria provided, single submitter. Criteria: LMM Criteria. Collection method: clinical testing. Allele origin: germline. Observed: 1 variant allele.
Comment: The p.His1701Arg variant in GPR98 has not been previously reported in individual s with hearing loss or in large population studies. Computational prediction too ls and conservation analyses do not provide strong support for or against an imp act to the protein. In summary, the clinical significance of the p.His1701Arg va riant is uncertain.

NM_032119.4(ADGRV1):c.5102A>G (p.His1701Arg)

Gene: ADGRV1 (adhesion G protein-coupled receptor V1; plus strand). Cytogenetic location: 5q14.3.
Variant type: single nucleotide variant.
Coding change: c.5102A>G on transcript NM_032119.4 (MANE Select); coding-DNA position 5102, A replaced by G.
Protein change: p.His1701Arg; replaces histidine 1701 with arginine.
Molecular consequence: missense variant. On other transcripts: non-coding transcript variant (1).
Genome position (GRCh38, 1-based): chr5:90,674,226, A>G. VCF-style: chr5-90674226-A-G. GRCh37 (hg19) VCF-style: chr5-89970043-A-G.
Other names: short protein forms H1701R.
Identifiers: ClinVar variation 228722 (VCV000228722.7), dbSNP rs876657826, ClinGen allele CA10576664.
Genomic context (GRCh38, chr5:90,674,226, plus strand): 5'-GTGGTGCAAGCATAGATCCTGAAAAGGAAACGACTGATATCACCATCAAAGCTAGTGATC[A>G]TCCATATGGTAACCTGCTCCTTTTGCAAGAAAAATCCTCTCTTCTCTGGGTGTACTTAGT-3'
Protein context (NP_115495.3, residues 1691-1711): TTDITIKASD[His1701Arg]PYGLLQFSTG